The following is an entry in ClinVar:

NM_004863.4(SPTLC2):c.529A>G (p.Asn177Asp)

Gene: SPTLC2 (serine palmitoyltransferase long chain base subunit 2; minus strand). Cytogenetic location: 14q24.3.
Variant type: single nucleotide variant.
Coding change: c.529A>G on transcript NM_004863.4 (MANE Select); coding-DNA position 529, A replaced by G.
Protein change: p.Asn177Asp; replaces asparagine 177 with aspartic acid.
Molecular consequence: missense variant.
Genome position (GRCh38, 1-based): chr14:77,576,869, T>C on the plus strand (A>G on the coding strand, the complement: SPTLC2 is on the minus strand). VCF-style: chr14-77576869-T-C. GRCh37 (hg19) VCF-style: chr14-78043212-T-C.
Other names: short protein forms N177D.
Identifiers: ClinVar variation 430350 (VCV000430350.13), dbSNP rs1131691917, ClinGen allele CA390699413.

ClinVar aggregate classification (germline): Conflicting classifications of pathogenicity. Review status: criteria provided, conflicting classifications (1 of 4 stars). 3 submissions from 3 submitters: Pathogenic (1); Uncertain significance (1). 1 of the submissions does not count toward it. Last evaluated 2023-02-22.

Conditions:
Neuropathy, hereditary sensory and autonomic, type 1C. Also called: HSAN IC; HSN IC. Identifiers: Orphanet 36386, MedGen C3150896, MONDO:0013337, OMIM 613640.

Allele frequency attached by ClinVar (database versions not stated): gnomAD exomes below 0.00001.
gnomAD v4.1: 1 of 1,614,216 alleles (0.000062%); highest among the groups gnomAD compares: East Asian, 0.0022%; no homozygotes.

Submissions (3):

Labcorp Genetics (formerly Invitae), Labcorp
Classification: Pathogenic for Neuropathy, hereditary sensory and autonomic, type 1C. Last evaluated: 2023-02-22. Review status: criteria provided, single submitter. Criteria: Invitae Variant Classification Sherloc (09022015). Collection method: clinical testing. Allele origin: germline.
Comment: For these reasons, this variant has been classified as Pathogenic. Experimental studies have shown that this missense change affects SPTLC2 function (PMID: 30955194). Advanced modeling of protein sequence and biophysical properties (such as structural, functional, and spatial information, amino acid conservation, physicochemical variation, residue mobility, and thermodynamic stability) performed at Invitae indicates that this missense variant is not expected to disrupt SPTLC2 protein function. ClinVar contains an entry for this variant (Variation ID: 430350). This missense change has been observed in individuals with clinical features of hereditary sensory and autonomic neuropathy (PMID: 30955194; Invitae). It has also been observed to segregate with disease in related individuals. This variant is not present in population databases (gnomAD no frequency). This sequence change replaces asparagine, which is neutral and polar, with aspartic acid, which is acidic and polar, at codon 177 of the SPTLC2 protein (p.Asn177Asp).

GeneDx
Classification: Uncertain significance. Last evaluated: 2017-05-26. Review status: criteria provided, single submitter. Criteria: GeneDx Variant Classification (06012015). Collection method: clinical testing. Allele origin: germline. Affected: yes.
Comment: A variant of uncertain significance has been identified in the SPTLC2 gene. The N177D variant has not been published as a pathogenic variant, nor has it been reported as a benign variant to our knowledge. However, a different missense variant in the same position (N177H) has been reported previously in an individual with hereditary sensory neuropathy (Antoniadi et al., 2015). The N177D variant is not observed in large population cohorts (Lek et al., 2016; 1000 Genomes Consortium et al., 2015; Exome Variant Server). The N177D variant is a semi-conservative amino acid substitution, which may impact secondary protein structure as these residues differ in some properties. This substitution occurs at a position that is conserved across species, and in silico analysis predicts this variant is probably damaging to the protein structure/function. Therefore, based on the currently available information, it is unclear whether this variant is a pathogenic variant or a rare benign variant.

OMIM
Classification: Pathogenic for NEUROPATHY, HEREDITARY SENSORY AND AUTONOMIC, TYPE IC. Last evaluated: 2019-11-04. Review status: no assertion criteria provided. Collection method: literature only. Allele origin: germline. Not counted in ClinVar's aggregate classification.

Literature cited by the submitters: PubMed 30955194 (cited by Labcorp Genetics (formerly Invitae), Labcorp and OMIM).